The following is an entry in ClinVar:

ClinVar aggregate classification (germline): Uncertain significance. Review status: criteria provided, multiple submitters, no conflicts (2 of 4 stars). 3 submissions from 3 submitters: Uncertain significance (3). Last evaluated 2025-06-20.

Conditions:
Familial thoracic aortic aneurysm and aortic dissection (TAAD). Also called: Thoracic aortic aneurysms and dissections. Identifiers: Orphanet 91387, MedGen C4707243, MONDO:0019625.

Allele frequency attached by ClinVar (database versions not stated): gnomAD exomes below 0.00001; ExAC 0.00001; TOPMed 0.00002; gnomAD 0.00003 and 0.00004.
gnomAD v4.1: 10 of 1,613,670 alleles (0.00062%); highest among the groups gnomAD compares: African/African-American, 0.0053%; no homozygotes.

Submissions (3):

GeneDx
Classification: Uncertain significance. Last evaluated: 2025-06-20. Review status: criteria provided, single submitter. Criteria: GeneDx Variant Classification Process June 2021. Collection method: clinical testing. Allele origin: germline. Affected: yes.
Comment: Not observed at significant frequency in large population cohorts (gnomAD); In silico analysis supports that this missense variant has a deleterious effect on protein structure/function; Has not been previously published as pathogenic or benign to our knowledge

Ambry Genetics
Classification: Uncertain significance for Familial thoracic aortic aneurysm and aortic dissection. Last evaluated: 2025-03-31. Review status: criteria provided, single submitter. Criteria: Ambry Variant Classification Scheme 2023. Collection method: clinical testing. Allele origin: germline.
Comment: The p.L1790F variant (also known as c.5368C>T), located in coding exon 37 of the MYH11 gene, results from a C to T substitution at nucleotide position 5368. The leucine at codon 1790 is replaced by phenylalanine, an amino acid with highly similar properties. This amino acid position is conserved. In addition, this alteration is predicted to be tolerated by in silico analysis. Based on the available evidence, the clinical significance of this variant remains unclear.

AiLife Diagnostics
Classification: Uncertain significance. Last evaluated: 2022-03-24. Review status: criteria provided, single submitter. Criteria: ACMG Guidelines, 2015. Collection method: clinical testing. Allele origin: germline. Affected: yes. Observed: 1 variant allele.

NM_002474.3(MYH11):c.5368C>T (p.Leu1790Phe)

Genes: MYH11 (myosin heavy chain 11; minus strand), NDE1 (nudE neurodevelopment protein 1; plus strand). Cytogenetic location: 16p13.11.
Variant type: single nucleotide variant.
Coding change: c.5368C>T on transcript NM_002474.3 (MANE Select); coding-DNA position 5368, C replaced by T.
Protein change: p.Leu1790Phe; replaces leucine 1790 with phenylalanine.
Molecular consequence: missense variant. On other transcripts: intron variant (2).
Genome position (GRCh38, 1-based): chr16:15,717,276, G>A on the plus strand (C>T on the coding strand, the complement: MYH11 is on the minus strand). VCF-style: chr16-15717276-G-A. GRCh37 (hg19) VCF-style: chr16-15811133-G-A.
Other names: c.5389C>T, p.Leu1797Phe (NM_001040113.2, NM_001040114.2); c.5368C>T, p.Leu1790Phe (NM_022844.3); c.948-6915G>A (NM_001143979.2, NM_017668.3); c.5368C>T (NM_002474.2); short protein forms L1790F, L1797F.
Identifiers: ClinVar variation 1678076 (VCV001678076.3), dbSNP rs777456120, ClinGen allele CA7921291.